The following is an entry in ClinVar:

NM_004341.5(CAD):c.905A>C (p.Asp302Ala)

Gene: CAD (carbamoyl-phosphate synthetase 2, aspartate transcarbamylase, and dihydroorotase; plus strand). Cytogenetic location: 2p23.3.
Variant type: single nucleotide variant.
Coding change: c.905A>C on transcript NM_004341.5 (MANE Select); coding-DNA position 905, A replaced by C.
Protein change: p.Asp302Ala; replaces aspartic acid 302 with alanine.
Molecular consequence: missense variant.
Genome position (GRCh38, 1-based): chr2:27,223,658, A>C. VCF-style: chr2-27223658-A-C. GRCh37 (hg19) VCF-style: chr2-27446526-A-C.
Other names: c.905A>C, p.Asp302Ala (NM_001306079.2); c.905A>C (NM_004341.3); short protein forms D302A.
Identifiers: ClinVar variation 1347800 (VCV001347800.4), dbSNP rs201395949, ClinGen allele CA1572550.
Genomic context (GRCh38, chr2:27,223,658, plus strand): 5'-TGGTGGGCTCTGGGCGCTGCTTTCTGACATCCCAGAACCATGGGTTTGCTGTGGAGACAG[A>C]CTCACTGCCAGCAGACTGGGCTCCTCTCTTCACCAACGCCAATGATGGTTCCAATGAAGG-3'
Protein context (NP_004332.2, residues 292-312): SQNHGFAVET[Asp302Ala]SLPADWAPLF

ClinVar aggregate classification (germline): Uncertain significance. Review status: criteria provided, multiple submitters, no conflicts (2 of 4 stars). 2 submissions from 2 submitters: Uncertain significance (2). Last evaluated 2024-03-19.

Conditions:
Inborn genetic diseases. Identifiers: MedGen C0950123, MeSH D030342.

Allele frequency attached by ClinVar (database versions not stated): gnomAD 0.00002; gnomAD exomes 0.00002 and 0.00004; ExAC 0.00003; TOPMed 0.00003.

Submissions (2):

Ambry Genetics
Classification: Uncertain significance for Inborn genetic diseases. Last evaluated: 2024-03-19. Review status: criteria provided, single submitter. Criteria: Ambry Variant Classification Scheme 2023. Collection method: clinical testing. Allele origin: germline.

Labcorp Genetics (formerly Invitae), Labcorp
Classification: Uncertain significance. Last evaluated: 2022-03-18. Review status: criteria provided, single submitter. Criteria: Invitae Variant Classification Sherloc (09022015). Collection method: clinical testing. Allele origin: germline.
Comment: This sequence change replaces aspartic acid, which is acidic and polar, with alanine, which is neutral and non-polar, at codon 302 of the CAD protein (p.Asp302Ala). This variant is present in population databases (rs201395949, gnomAD 0.01%). This variant has not been reported in the literature in individuals affected with CAD-related conditions. Algorithms developed to predict the effect of missense changes on protein structure and function are either unavailable or do not agree on the potential impact of this missense change (SIFT: "Deleterious"; PolyPhen-2: "Benign"; Align-GVGD: "Class C0"). In summary, the available evidence is currently insufficient to determine the role of this variant in disease. Therefore, it has been classified as a Variant of Uncertain Significance.